The following is an entry in ClinVar:

NM_001365276.2(TNXB):c.10744C>T (p.Pro3582Ser)

Genes: TNXB (tenascin XB; minus strand), LOC106780803 (tenascin XB recombination region; plus strand). Cytogenetic location: 6p21.33.
Variant type: single nucleotide variant.
Coding change: c.10744C>T on transcript NM_001365276.2 (MANE Select); coding-DNA position 10744, C replaced by T.
Protein change: p.Pro3582Ser; replaces proline 3582 with serine.
Molecular consequence: missense variant.
Genome position (GRCh38, 1-based): chr6:32,045,189, G>A on the plus strand (C>T on the coding strand, the complement: TNXB is on the minus strand). VCF-style: chr6-32045189-G-A. GRCh37 (hg19) VCF-style: chr6-32012966-G-A.
Other names: c.11485C>T, p.Pro3829Ser (NM_001428335.1); c.10738C>T, p.Pro3580Ser (NM_019105.8); c.31C>T, p.Pro11Ser (NM_032470.4); short protein forms P11S, P3582S, P3829S, P3580S.
Identifiers: ClinVar variation 4615202 (VCV004615202.3).
Genomic context (GRCh38, chr6:32,045,189, plus strand): 5'-CGAGCAAGGCCTGGGGCTGCCCGTTCGTGTCCTCATACTGGACCACGAAGGAATCAAAGG[G>A]GCCCTGGGCCACGCTCCACGAGAGGCGCATGGAGTCTGGGGTTGTGTCGGTCACGGTCAG-3'
Protein context (NP_001352205.1, residues 3572-3592): MRLSWSVAQG[Pro3582Ser]FDSFVVQYED

ClinVar aggregate classification (germline): Uncertain significance. Review status: criteria provided, multiple submitters, no conflicts (2 of 4 stars). 2 submissions from 2 submitters: Uncertain significance (2). Last evaluated 2025-11-25.

Conditions:
Ehlers-Danlos syndrome (EDS). Identifiers: Orphanet 98249, MedGen C0013720, MONDO:0020066.
Cardiovascular phenotype. Identifiers: MedGen CN230736.

gnomAD v4.1: 35 of 1,613,018 alleles (0.0022%); highest among the groups gnomAD compares: African/African-American, 0.017%; no homozygotes.

Submissions (2):

Dasa
Classification: Uncertain significance for Ehlers-Danlos syndrome. Last evaluated: 2025-11-25. Review status: criteria provided, single submitter. Criteria: DASA Assertion Criteria. Collection method: clinical testing. Allele origin: germline.
Comment: NM_001365276.2(TNXB):c.10744C>T (p.Pro3582Ser) is a missense variant that results in the substitution of proline with serine. This variant is rare in population databases. Computational prediction algorithms are consistent with a benign effect. The currently available literature and clinical evidence are not sufficient to establish a definitive association between this variant and the reported condition. Therefore, this variant is classified as a variant of uncertain significance.

Ambry Genetics
Classification: Uncertain significance for Cardiovascular phenotype. Last evaluated: 2025-11-02. Review status: criteria provided, single submitter. Criteria: Ambry Variant Classification Scheme 2023. Collection method: clinical testing. Allele origin: germline.